The following is an entry in ClinVar:

ClinVar aggregate classification (germline): Uncertain significance (1 of 4 stars; one submission).

gnomAD v4.1: 7 of 1,613,772 alleles (0.00043%); highest among the groups gnomAD compares: Non-Finnish European, 0.00059%; no homozygotes.

Submission:

Labcorp Genetics (formerly Invitae), Labcorp
Classification: Uncertain significance. Last evaluated: 2024-05-02. Review status: criteria provided, single submitter. Criteria: Invitae Variant Classification Sherloc (09022015). Collection method: clinical testing. Allele origin: germline.
Comment: This sequence change falls in intron 42 of the FN1 gene. It does not directly change the encoded amino acid sequence of the FN1 protein. This variant is not present in population databases (gnomAD no frequency). This variant has not been reported in the literature in individuals affected with FN1-related conditions. Algorithms developed to predict the effect of sequence changes on RNA splicing suggest that this variant may create or strengthen a splice site. In summary, the available evidence is currently insufficient to determine the role of this variant in disease. Therefore, it has been classified as a Variant of Uncertain Significance.

NM_212482.4(FN1):c.7019-17T>G

Genes: ATIC (5-aminoimidazole-4-carboxamide ribonucleotide formyltransferase/IMP cyclohydrolase; plus strand), FN1 (fibronectin 1; minus strand). Cytogenetic location: 2q35.
Variant type: single nucleotide variant.
Coding change: c.7019-17T>G on transcript NM_212482.4 (MANE Select); 17 bases into the intron before coding-DNA position 7019, T replaced by G.
Molecular consequence: intron variant.
Genome position (GRCh38, 1-based): chr2:215,365,647, A>C on the plus strand (T>G on the coding strand, the complement: FN1 is on the minus strand). VCF-style: chr2-215365647-A-C. GRCh37 (hg19) VCF-style: chr2-216230370-A-C.
Other names: c.6389-17T>G (NM_001306130.2); c.6581-17T>G (NM_001365522.2); c.6674-17T>G (NM_001365519.2); c.6656-17T>G (NM_001365521.2); c.6749-17T>G (NM_001365517.2); c.6926-17T>G (NM_001306129.2); c.6116-17T>G (NM_212474.3); c.6308-17T>G (NM_001306132.2); and 8 more.
Identifiers: ClinVar variation 3692540 (VCV003692540.2).
Genomic context (GRCh38, chr2:215,365,647, plus strand): 5'-CTTCTCTCCAATCTTGTAGTTCACACCATTGTCATGGCACCATCCTGTAGGGGTGGGGAA[A>C]GTCAGGACCAAAAAGTTATTTGTATATTCTGACTCACAAGACAGTAGGTGAACTGGGACG-3'